The following is an entry in ClinVar:

ClinVar aggregate classification (germline): Uncertain significance (1 of 4 stars; one submission).

Allele frequency attached by ClinVar (database versions not stated): gnomAD exomes below 0.00001.
gnomAD v4.1: 2 of 1,614,246 alleles (0.00012%); highest among the groups gnomAD compares: Middle Eastern, 0.017%; no homozygotes.

Submission:

Labcorp Genetics (formerly Invitae), Labcorp
Classification: Uncertain significance. Last evaluated: 2022-09-10. Review status: criteria provided, single submitter. Criteria: Invitae Variant Classification Sherloc (09022015). Collection method: clinical testing. Allele origin: germline.
Comment: In summary, the available evidence is currently insufficient to determine the role of this variant in disease. Therefore, it has been classified as a Variant of Uncertain Significance. Advanced modeling of protein sequence and biophysical properties (such as structural, functional, and spatial information, amino acid conservation, physicochemical variation, residue mobility, and thermodynamic stability) performed at Invitae indicates that this missense variant is not expected to disrupt CTNNA1 protein function. This variant has not been reported in the literature in individuals affected with CTNNA1-related conditions. This variant is not present in population databases (gnomAD no frequency). This sequence change replaces threonine, which is neutral and polar, with serine, which is neutral and polar, at codon 262 of the CTNNA1 protein (p.Thr262Ser).

NM_001903.5(CTNNA1):c.785C>G (p.Thr262Ser)

Gene: CTNNA1 (catenin alpha 1; plus strand). Cytogenetic location: 5q31.2.
Variant type: single nucleotide variant.
Coding change: c.785C>G on transcript NM_001903.5 (MANE Select); coding-DNA position 785, C replaced by G.
Protein change: p.Thr262Ser; replaces threonine 262 with serine.
Molecular consequence: missense variant.
Genome position (GRCh38, 1-based): chr5:138,824,726, C>G. VCF-style: chr5-138824726-C-G. GRCh37 (hg19) VCF-style: chr5-138160415-C-G.
Other names: c.785C>G, p.Thr262Ser (NM_001290307.3, NM_001323982.2, NM_001323983.1 and 3 more transcripts); c.476C>G, p.Thr159Ser (NM_001290309.3); c.416C>G, p.Thr139Ser (NM_001290310.3); short protein forms T139S, T159S, T262S.
Identifiers: ClinVar variation 1719247 (VCV001719247.5), dbSNP rs2149776446, ClinGen allele CA361130023.